The following is an entry in ClinVar:

ClinVar aggregate classification (germline): Likely benign (1 of 4 stars; one submission).

Allele frequency attached by ClinVar (database versions not stated): 1000 Genomes Project 0.00060; 1000 Genomes Project 30x 0.00062; ESP Exome Variant Server 0.00154.
gnomAD v4.1: 1,980 of 1,614,156 alleles (0.12%); highest among the groups gnomAD compares: Non-Finnish European, 0.15%; 2 homozygotes.

Submission:

CeGaT Center for Human Genetics Tuebingen
Classification: Likely benign. Last evaluated: 2022-09-01. Review status: criteria provided, single submitter. Criteria: CeGaT Center For Human Genetics Tuebingen Variant Classification Criteria Version 2. Collection method: clinical testing. Allele origin: germline. Affected: yes. Observed: 1 variant allele.
Comment: MRPS10: BP4, BP7

NM_018141.4(MRPS10):c.15A>G (p.Thr5=)

Genes: MRPS10 (mitochondrial ribosomal protein S10; minus strand), LOC129996445 (ATAC-STARR-seq lymphoblastoid active region 24543; plus strand). Cytogenetic location: 6p21.1.
Variant type: single nucleotide variant.
Coding change: c.15A>G on transcript NM_018141.4 (MANE Select); coding-DNA position 15, A replaced by G.
Protein change: p.Thr5=; no amino-acid change (threonine 5 retained).
Molecular consequence: synonymous variant.
Genome position (GRCh38, 1-based): chr6:42,217,835, T>C on the plus strand (A>G on the coding strand, the complement: MRPS10 is on the minus strand). VCF-style: chr6-42217835-T-C. GRCh37 (hg19) VCF-style: chr6-42185573-T-C.
Identifiers: ClinVar variation 2656548 (VCV002656548.24), dbSNP rs140899247, ClinGen allele CA3805959.